The following is an entry in ClinVar:

ClinVar aggregate classification (germline): Uncertain significance. Review status: criteria provided, multiple submitters, no conflicts (2 of 4 stars). 2 submissions from 2 submitters: Uncertain significance (2). Last evaluated 2025-06-12.

Conditions:
Cardiovascular phenotype. Identifiers: MedGen CN230736.
RASopathy. Also called: rasopathies; Noonan spectrum disorder. Identifiers: Orphanet 536391, MedGen C5555857, MONDO:0021060.

Submissions (2):

Labcorp Genetics (formerly Invitae), Labcorp
Classification: Uncertain significance for RASopathy. Last evaluated: 2025-06-12. Review status: criteria provided, single submitter. Criteria: Invitae Variant Classification Sherloc (09022015). Collection method: clinical testing. Allele origin: germline.
Comment: This sequence change replaces glutamic acid, which is acidic and polar, with lysine, which is basic and polar, at codon 14 of the SOS1 protein (p.Glu14Lys). This variant is not present in population databases (gnomAD no frequency). This variant has not been reported in the literature in individuals affected with SOS1-related conditions. ClinVar contains an entry for this variant (Variation ID: 1737841). Invitae Evidence Modeling of protein sequence and biophysical properties (such as structural, functional, and spatial information, amino acid conservation, physicochemical variation, residue mobility, and thermodynamic stability) indicates that this missense variant is expected to disrupt SOS1 protein function with a positive predictive value of 95%. In summary, the available evidence is currently insufficient to determine the role of this variant in disease. Therefore, it has been classified as a Variant of Uncertain Significance.

Ambry Genetics
Classification: Uncertain significance for Cardiovascular phenotype. Last evaluated: 2022-04-23. Review status: criteria provided, single submitter. Criteria: Ambry Variant Classification Scheme 2023. Collection method: clinical testing. Allele origin: germline.
Comment: The p.E14K variant (also known as c.40G>A), located in coding exon 1 of the SOS1 gene, results from a G to A substitution at nucleotide position 40. The glutamic acid at codon 14 is replaced by lysine, an amino acid with similar properties. This amino acid position is conserved. In addition, the in silico prediction for this alteration is inconclusive. Since supporting evidence is limited at this time, the clinical significance of this alteration remains unclear.

NM_005633.4(SOS1):c.40G>A (p.Glu14Lys)

Genes: SOS1 (SOS Ras/Rac guanine nucleotide exchange factor 1; minus strand), LOC129933535 (ATAC-STARR-seq lymphoblastoid silent region 11384; plus strand). Cytogenetic location: 2p22.1.
Variant type: single nucleotide variant.
Coding change: c.40G>A on transcript NM_005633.4 (MANE Select); coding-DNA position 40, G replaced by A.
Protein change: p.Glu14Lys; replaces glutamic acid 14 with lysine.
Molecular consequence: missense variant. On other transcripts: intron variant (1).
Genome position (GRCh38, 1-based): chr2:39,120,383, C>T on the plus strand (G>A on the coding strand, the complement: SOS1 is on the minus strand). VCF-style: chr2-39120383-C-T. GRCh37 (hg19) VCF-style: chr2-39347524-C-T.
Other names: c.40G>A, p.Glu14Lys (NM_001382395.1); c.66+4281G>A (NM_001382394.1); short protein forms E14K.
Identifiers: ClinVar variation 1737841 (VCV001737841.5), dbSNP rs2148243262, ClinGen allele CA346374696.
Genomic context (GRCh38, chr2:39,120,383, plus strand): 5'-GCGTGCTCCTCACCTTTTTCAGCGCAGGCACCAGTAGTCCCCGCCACTTGGGCGCGTTCT[C>T]TTCGCTGAAAAACTCGTAGGGCAGCTGCTGCGCCTGCATGGTGCCCCCGGGGCGCCTCTG-3'
Protein context (NP_005624.2, residues 4-24): QQLPYEFFSE[Glu14Lys]NAPKWRGLLV